The following is an entry in ClinVar:

NM_007294.4(BRCA1):c.5194-1264A>G

Gene: BRCA1 (BRCA1 DNA repair associated; minus strand). Cytogenetic location: 17q21.31.
Variant type: single nucleotide variant.
Coding change: c.5194-1264A>G on transcript NM_007294.4 (MANE Select); 1264 bases into the intron before coding-DNA position 5194, A replaced by G.
Molecular consequence: intron variant.
Genome position (GRCh38, 1-based): chr17:43,058,399, T>C on the plus strand (A>G on the coding strand, the complement: BRCA1 is on the minus strand). VCF-style: chr17-43058399-T-C. GRCh37 (hg19) VCF-style: chr17-41210416-T-C.
Other names: IVS 19-1264A>G; c.1804-1264A>G (NM_001408412.1, NM_001408413.1, NM_001408416.1 and 2 more transcripts); c.5113-1264A>G (NM_001407656.1, NM_001407657.1, NM_001407658.1); c.5116-1264A>G (NM_001407654.1, NM_001407652.1, NM_001407653.1 and 1 more transcripts); c.1543-1264A>G (NM_001408509.1); c.1546-1264A>G (NM_001408508.1); c.1672-1264A>G (NM_001408491.1, NM_001408481.1, NM_001408490.1 and 5 more transcripts); c.4978-1264A>G (NM_001407918.1, NM_001407915.1, NM_001407916.1 and 1 more transcripts); and 73 more.
Identifiers: ClinVar variation 209297 (VCV000209297.2), dbSNP rs8176278, ClinGen allele CA276269.

ClinVar aggregate classification (germline): Benign (3 of 4 stars; one submission).

Conditions:
Breast-ovarian cancer, familial, susceptibility to, 1 (BROVCA1). Also called: BRCA1 Hereditary Breast and Ovarian Cancer; OVARIAN CANCER, SUSCEPTIBILITY TO. Identifiers: Orphanet 145, MedGen C2676676, MONDO:0011450, OMIM 604370. Disease mechanism: loss of function.

Allele frequency attached by ClinVar (database versions not stated): gnomAD 0.13600; 1000 Genomes Project 0.14996; TOPMed 0.15264; 1000 Genomes Project 30x 0.15662.
gnomAD v4.1: 20,391 of 150,048 alleles (14%); highest among the groups gnomAD compares: African/African-American, 46%; 4,330 homozygotes.

Submission:

Evidence-based Network for the Interpretation of Germline Mutant Alleles (ENIGMA)
Classification: Benign for Breast-ovarian cancer, familial 1. Last evaluated: 2015-01-12. Review status: reviewed by expert panel. Criteria: ENIGMA BRCA1/2 Classification Criteria (2015). Collection method: curation. Allele origin: germline.
Comment: Class 1 not pathogenic based on frequency >1% in an outbred sampleset. Frequency 0.4959 (African), 0.01319 (European), derived from 1000 genomes (2012-04-30).